The following is an entry in ClinVar:

NM_004984.4(KIF5A):c.1843T>G (p.Cys615Gly)

Gene: KIF5A (kinesin family member 5A; plus strand). Cytogenetic location: 12q13.3.
Variant type: single nucleotide variant.
Coding change: c.1843T>G on transcript NM_004984.4 (MANE Select); coding-DNA position 1843, T replaced by G.
Protein change: p.Cys615Gly; replaces cysteine 615 with glycine.
Molecular consequence: missense variant.
Genome position (GRCh38, 1-based): chr12:57,575,210, T>G. VCF-style: chr12-57575210-T-G. GRCh37 (hg19) VCF-style: chr12-57968993-T-G.
Other names: c.1576T>G, p.Cys526Gly (NM_001354705.2); short protein forms C615G, C526G.
Identifiers: ClinVar variation 3654396 (VCV003654396.2).

ClinVar aggregate classification (germline): Uncertain significance (1 of 4 stars; one submission).

Conditions:
Spastic paraplegia. Identifiers: MedGen C0037772, HP:0001258.

gnomAD v4.1: 3 of 1,613,618 alleles (0.00019%); highest among the groups gnomAD compares: Non-Finnish European, 0.00025%; no homozygotes.

Submission:

Labcorp Genetics (formerly Invitae), Labcorp
Classification: Uncertain significance for Spastic paraplegia. Last evaluated: 2024-12-05. Review status: criteria provided, single submitter. Criteria: Invitae Variant Classification Sherloc (09022015). Collection method: clinical testing. Allele origin: germline.
Comment: This sequence change replaces cysteine, which is neutral and slightly polar, with glycine, which is neutral and non-polar, at codon 615 of the KIF5A protein (p.Cys615Gly). This variant is not present in population databases (gnomAD no frequency). This variant has not been reported in the literature in individuals affected with KIF5A-related conditions. Invitae Evidence Modeling of protein sequence and biophysical properties (such as structural, functional, and spatial information, amino acid conservation, physicochemical variation, residue mobility, and thermodynamic stability) indicates that this missense variant is not expected to disrupt KIF5A protein function with a negative predictive value of 95%. In summary, the available evidence is currently insufficient to determine the role of this variant in disease. Therefore, it has been classified as a Variant of Uncertain Significance.